The following is an entry in ClinVar:

NM_000051.4(ATM):c.4104T>A (p.Phe1368Leu)

Gene: ATM (ATM serine/threonine kinase; plus strand). Cytogenetic location: 11q22.3.
Variant type: single nucleotide variant.
Coding change: c.4104T>A on transcript NM_000051.4 (MANE Select); coding-DNA position 4104, T replaced by A.
Protein change: p.Phe1368Leu; replaces phenylalanine 1368 with leucine.
Molecular consequence: missense variant.
Genome position (GRCh38, 1-based): chr11:108,287,710, T>A. VCF-style: chr11-108287710-T-A. GRCh37 (hg19) VCF-style: chr11-108158437-T-A.
Other names: c.4104T>A, p.Phe1368Leu (NM_001351834.2); short protein forms F1368L.
Identifiers: ClinVar variation 1442772 (VCV001442772.6), dbSNP rs569614591, ClinGen allele CA382528669.

ClinVar aggregate classification (germline): Uncertain significance (1 of 4 stars; one submission).

Conditions:
Ataxia-telangiectasia syndrome (AT). Also called: Ataxia-telangiectasia; LOUIS-BAR SYNDROME; AT, COMPLEMENTATION GROUP C; Ataxia-telangiectasia, complementation group E; Ataxia telangiectasia (A-T); Cerebello-oculocutaneous telangiectasia. Identifiers: Orphanet 100, MedGen C0004135, MONDO:0008840, OMIM 208900.

Submission:

Labcorp Genetics (formerly Invitae), Labcorp
Classification: Uncertain significance for Ataxia-telangiectasia syndrome. Last evaluated: 2021-11-05. Review status: criteria provided, single submitter. Criteria: Invitae Variant Classification Sherloc (09022015). Collection method: clinical testing. Allele origin: germline.
Comment: In summary, the available evidence is currently insufficient to determine the role of this variant in disease. Therefore, it has been classified as a Variant of Uncertain Significance. Advanced modeling of protein sequence and biophysical properties (such as structural, functional, and spatial information, amino acid conservation, physicochemical variation, residue mobility, and thermodynamic stability) performed at Invitae indicates that this missense variant is not expected to disrupt ATM protein function. This variant has not been reported in the literature in individuals affected with ATM-related conditions. This variant is not present in population databases (gnomAD no frequency). This sequence change replaces phenylalanine, which is neutral and non-polar, with leucine, which is neutral and non-polar, at codon 1368 of the ATM protein (p.Phe1368Leu).